The following is an entry in ClinVar:

ClinVar aggregate classification (germline): other (0 of 4 stars; one submission).

Conditions:
Familial colorectal cancer. Identifiers: MedGen CN280943, MONDO:0023113. Disease mechanism: loss of function.

Submission:

Systems Biology Platform Zhejiang California International NanoSystems Institute
Classification: other for Familial colorectal cancer. Review status: no assertion criteria provided. Collection method: not provided. Allele origin: unknown.
ClinVar note: Converted during submission from cancer to other.

NM_000038.6(APC):c.-18-62T>A

Gene: APC (APC regulator of WNT signaling pathway; plus strand). Cytogenetic location: 5q22.2.
Variant type: single nucleotide variant.
Coding change: c.-18-62T>A on transcript NM_000038.6 (MANE Select); 62 bases into the intron before 18 bases upstream of the start codon, T replaced by A.
Molecular consequence: intron variant.
Genome position (GRCh38, 1-based): chr5:112,754,811, T>A. VCF-style: chr5-112754811-T-A. GRCh37 (hg19) VCF-style: chr5-112090508-T-A.
Other names: c.-18-62T>A (NM_001354895.2, NM_001127510.3, NM_001354896.2 and 2 more transcripts); c.166-11515T>A (NM_001354897.2, NM_001354902.2, NM_001127511.3); c.61-11515T>A (NM_001354898.2, NM_001354904.2); c.-1053-62T>A (NM_001354906.2); c.-42-11515T>A (NM_001354900.2, NM_001354901.2, NM_001354905.2).
Identifiers: ClinVar variation 82363 (VCV000082363.2), dbSNP rs76865148, ClinGen allele CA006188.
Genomic context (GRCh38, chr5:112,754,811, plus strand): 5'-GCATATTAACACAATTCTTCTTAAACGTCTTAAGAGTTTTGTTTCCTTTACCCCTTTCTT[T>A]AAAAACAAGCAGCCACTAAATTTTTTAGTAGTGAATTTCAAAATCCTTTTTAACCTTATA-3'